The following is an entry in ClinVar:

NM_007194.4(CHEK2):c.565A>T (p.Ile189Phe)

Gene: CHEK2 (checkpoint kinase 2; minus strand). Cytogenetic location: 22q12.1.
Variant type: single nucleotide variant.
Coding change: c.565A>T on transcript NM_007194.4 (MANE Select); coding-DNA position 565, A replaced by T.
Protein change: p.Ile189Phe; replaces isoleucine 189 with phenylalanine.
Molecular consequence: missense variant. On other transcripts: 5 prime UTR variant (2), intron variant (1).
Genome position (GRCh38, 1-based): chr22:28,725,004, T>A on the plus strand (A>T on the coding strand, the complement: CHEK2 is on the minus strand). VCF-style: chr22-28725004-T-A. GRCh37 (hg19) VCF-style: chr22-29120992-T-A.
Other names: c.694A>T, p.Ile232Phe (NM_001005735.3, NM_001438294.1); c.-213A>T (NM_001257387.3); c.-99A>T (NM_001437942.1); c.658A>T, p.Ile220Phe (NM_001438293.1, NM_001438295.1); c.565A>T, p.Ile189Phe (NM_145862.3); c.445-81A>T (NM_001349956.3); short protein forms I189F, I232F, I220F.
Identifiers: ClinVar variation 2681875 (VCV002681875.4), dbSNP rs587780185, ClinGen allele CA411107090.

ClinVar aggregate classification (germline): Uncertain significance. Review status: criteria provided, multiple submitters, no conflicts (2 of 4 stars). 2 submissions from 2 submitters: Uncertain significance (2). Last evaluated 2023-09-19.

Conditions:
Familial cancer of breast. Also called: hereditary breast carcinoma; BREAST CANCER, FAMILIAL; Hereditary breast cancer. Identifiers: Orphanet 227535, MedGen C0346153, MONDO:0016419, OMIM 114480. Disease mechanism: loss of function.

Submissions (2):

Labcorp Genetics (formerly Invitae), Labcorp
Classification: Uncertain significance for Familial cancer of breast. Last evaluated: 2023-09-19. Review status: criteria provided, single submitter. Criteria: Invitae Variant Classification Sherloc (09022015). Collection method: clinical testing. Allele origin: germline.
Comment: This sequence change replaces isoleucine, which is neutral and non-polar, with phenylalanine, which is neutral and non-polar, at codon 189 of the CHEK2 protein (p.Ile189Phe). This variant is not present in population databases (gnomAD no frequency). This variant has not been reported in the literature in individuals affected with CHEK2-related conditions. An algorithm developed to predict the effect of missense changes on protein structure and function (PolyPhen-2) suggests that this variant is likely to be disruptive. In summary, the available evidence is currently insufficient to determine the role of this variant in disease. Therefore, it has been classified as a Variant of Uncertain Significance.

Quest Diagnostics Nichols Institute San Juan Capistrano
Classification: Uncertain significance. Last evaluated: 2023-02-08. Review status: criteria provided, single submitter. Criteria: Quest Diagnostics criteria. Collection method: clinical testing. Allele origin: unknown.
Comment: This variant has not been reported in large, multi-ethnic general populations. Analysis of this variant using bioinformatics tools for the prediction of the effect of amino acid changes on protein structure and function yielded predictions that this variant is damaging. Based on the available information, we are unable to determine the clinical significance of this variant.

Literature cited by the submitters: PubMed 33471991 (cited by Quest Diagnostics Nichols Institute San Juan Capistrano).